The following is an entry in ClinVar:

NM_020923.3(ZDBF2):c.3712G>A (p.Ala1238Thr)

Gene: ZDBF2 (zinc finger DBF-type containing 2; plus strand). Cytogenetic location: 2q33.3.
Variant type: single nucleotide variant.
Coding change: c.3712G>A on transcript NM_020923.3 (MANE Select); coding-DNA position 3712, G replaced by A.
Protein change: p.Ala1238Thr; replaces alanine 1238 with threonine.
Molecular consequence: missense variant.
Genome position (GRCh38, 1-based): chr2:206,308,240, G>A. VCF-style: chr2-206308240-G-A. GRCh37 (hg19) VCF-style: chr2-207172964-G-A.
Other names: c.3706G>A, p.Ala1236Thr (NM_001285549.2); c.3712G>A, p.Ala1238Thr (NM_001369654.1); short protein forms A1238T, A1236T.
Identifiers: ClinVar variation 3818750 (VCV003818750.2).

ClinVar aggregate classification (germline): Uncertain significance. Review status: criteria provided, multiple submitters, no conflicts (2 of 4 stars). 2 submissions from 2 submitters: Uncertain significance (2). Last evaluated 2025-11-11.

gnomAD v4.1: 15 of 1,613,772 alleles (0.00093%); highest among the groups gnomAD compares: Admixed American, 0.025%; no homozygotes.

Submissions (2):

Labcorp Genetics (formerly Invitae), Labcorp
Classification: Uncertain significance. Last evaluated: 2025-11-11. Review status: criteria provided, single submitter. Criteria: Invitae Variant Classification Sherloc (09022015). Collection method: clinical testing. Allele origin: germline.
Comment: This sequence change replaces alanine, which is neutral and non-polar, with threonine, which is neutral and polar, at codon 1238 of the ZDBF2 protein (p.Ala1238Thr). This variant is present in population databases (rs781345351, gnomAD 0.04%). This variant has not been reported in the literature in individuals affected with ZDBF2-related conditions. ClinVar contains an entry for this variant (Variation ID: 3818750). An algorithm developed to predict the effect of missense changes on protein structure and function (PolyPhen-2) suggests that this variant is likely to be disruptive. In summary, the available evidence is currently insufficient to determine the role of this variant in disease. Therefore, it has been classified as a Variant of Uncertain Significance.

Ambry Genetics
Classification: Uncertain significance. Last evaluated: 2025-02-01. Review status: criteria provided, single submitter. Criteria: Ambry Variant Classification Scheme 2023. Collection method: clinical testing. Allele origin: germline.